The following is an entry in ClinVar:

ClinVar aggregate classification (germline): Uncertain significance. Review status: criteria provided, multiple submitters, no conflicts (2 of 4 stars). 2 submissions from 2 submitters: Uncertain significance (2). Last evaluated 2025-07-27.

Conditions:
Cardiovascular phenotype. Identifiers: MedGen CN230736.
Dilated cardiomyopathy 1DD (CMD1DD). Identifiers: Orphanet 154, MedGen C2750995, MONDO:0013168, OMIM 613172.

Allele frequency attached by ClinVar (database versions not stated): gnomAD 0.00001; TOPMed 0.00001; gnomAD exomes 0.00002.
gnomAD v4.1: 37 of 1,514,172 alleles (0.0024%); highest among the groups gnomAD compares: Non-Finnish European, 0.0029%; no homozygotes.

Submissions (2):

Labcorp Genetics (formerly Invitae), Labcorp
Classification: Uncertain significance for Dilated cardiomyopathy 1DD. Last evaluated: 2025-07-27. Review status: criteria provided, single submitter. Criteria: Invitae Variant Classification Sherloc (09022015). Collection method: clinical testing. Allele origin: germline.
Comment: This sequence change replaces alanine, which is neutral and non-polar, with threonine, which is neutral and polar, at codon 66 of the RBM20 protein (p.Ala66Thr). The frequency data for this variant in the population databases is considered unreliable, as metrics indicate poor data quality at this position in the gnomAD database. This missense change has been observed in individual(s) with dilated cardiomyopathy (PMID: 28416588). ClinVar contains an entry for this variant (Variation ID: 411657). Invitae Evidence Modeling of protein sequence and biophysical properties (such as structural, functional, and spatial information, amino acid conservation, physicochemical variation, residue mobility, and thermodynamic stability) has been performed for this missense variant. However, the output from this modeling did not meet the statistical confidence thresholds required to predict the impact of this variant on RBM20 protein function. In summary, the available evidence is currently insufficient to determine the role of this variant in disease. Therefore, it has been classified as a Variant of Uncertain Significance.

Ambry Genetics
Classification: Uncertain significance for Cardiovascular phenotype. Last evaluated: 2022-02-09. Review status: criteria provided, single submitter. Criteria: Ambry Variant Classification Scheme 2023. Collection method: clinical testing. Allele origin: germline.
Comment: The p.A66T variant (also known as c.196G>A), located in coding exon 2 of the RBM20 gene, results from a G to A substitution at nucleotide position 196. The alanine at codon 66 is replaced by threonine, an amino acid with similar properties. This alteration has been reported in a dilated cardiomyopathy (DCM) cohort; however, clinical details were limited (Dal Ferro M et al. Heart, 2017 11;103:1704-1710). This amino acid position is highly conserved in available vertebrate species. In addition, the in silico prediction for this alteration is inconclusive. Since supporting evidence is limited at this time, the clinical significance of this alteration remains unclear.

Literature cited by the submitters: PubMed 28416588 (cited by Labcorp Genetics (formerly Invitae), Labcorp and Ambry Genetics).

NM_001134363.3(RBM20):c.196G>A (p.Ala66Thr)

Gene: RBM20 (RNA binding motif protein 20; plus strand). Cytogenetic location: 10q25.2.
Variant type: single nucleotide variant.
Coding change: c.196G>A on transcript NM_001134363.3 (MANE Select); coding-DNA position 196, G replaced by A.
Protein change: p.Ala66Thr; replaces alanine 66 with threonine.
Molecular consequence: missense variant.
Genome position (GRCh38, 1-based): chr10:110,780,805, G>A. VCF-style: chr10-110780805-G-A. GRCh37 (hg19) VCF-style: chr10-112540563-G-A.
Other names: short protein forms A66T.
Identifiers: ClinVar variation 411657 (VCV000411657.8), dbSNP rs1051972948, ClinGen allele CA16612833.
Genomic context (GRCh38, chr10:110,780,805, plus strand): 5'-CCCTTGCCCCCCTCATTGAAAACCAGCTGTGCATCTAGACCTCTGTCTTCCCACAGTGCC[G>A]CCAAGCTCCTGGACAAGAACCCATTCTCGGTCAGTAACCCGAACCCTCTGCTTCCTTCAC-3'
Protein context (NP_001127835.2, residues 56-76): AGLPQIIQNA[Ala66Thr]KLLDKNPFSV